The following is an entry in ClinVar:

NM_001035.3(RYR2):c.1258C>T (p.Arg420Trp)

Gene: RYR2 (ryanodine receptor 2; plus strand). Cytogenetic location: 1q43.
Variant type: single nucleotide variant.
Coding change: c.1258C>T on transcript NM_001035.3 (MANE Select); coding-DNA position 1258, C replaced by T.
Protein change: p.Arg420Trp; replaces arginine 420 with tryptophan.
Molecular consequence: missense variant.
Genome position (GRCh38, 1-based): chr1:237,445,488, C>T. VCF-style: chr1-237445488-C-T. GRCh37 (hg19) VCF-style: chr1-237608788-C-T.
Other names: p.R420W:CGG>TGG; short protein forms R420W.
Identifiers: ClinVar variation 201214 (VCV000201214.30), dbSNP rs190140598, ClinGen allele CA007622.

ClinVar aggregate classification (germline): Pathogenic. Review status: criteria provided, multiple submitters, no conflicts (2 of 4 stars). 13 submissions from 13 submitters: Pathogenic (12). 1 of the submissions does not count toward it. Last evaluated 2025-11-02.

Conditions:
RYR2-related disorder. Also called: RYR2-related condition.
Cardiovascular phenotype. Identifiers: MedGen CN230736.
Ventricular fibrillation. Identifiers: MedGen C0042510, MONDO:0000190, HP:0001663.
Catecholaminergic polymorphic ventricular tachycardia (CVPT). Also called: Catecholamine-induced polymorphic ventricular tachycardia. Identifiers: Orphanet 3286, MedGen C5574922, MONDO:0017990.
Catecholaminergic polymorphic ventricular tachycardia 1. Also called: VENTRICULAR TACHYCARDIA, CATECHOLAMINERGIC POLYMORPHIC, 1, WITH OR WITHOUT ATRIAL DYSFUNCTION AND/OR DILATED CARDIOMYOPATHY; VENTRICULAR TACHYCARDIA, STRESS-INDUCED POLYMORPHIC 1; RYR2-Related Catecholaminergic Polymorphic Ventricular Tachycardia. Identifiers: Orphanet 3286, MedGen C1631597, MONDO:0011484, OMIM 604772.
Arrhythmogenic right ventricular dysplasia 2. Identifiers: MedGen C1832931.
Cardiomyopathy (CMYO). Also called: Cardiomyopathies. Identifiers: Orphanet 167848, MedGen C0878544, MONDO:0004994, HP:0001638. Inheritance: Various modes of inheritance.

Allele frequency attached by ClinVar (database versions not stated): gnomAD 0.00001; gnomAD exomes 0.00001; ExAC 0.00002; 1000 Genomes Project 30x 0.00016; 1000 Genomes Project 0.00020.
gnomAD v4.1: 4 of 1,613,638 alleles (0.00025%); highest among the groups gnomAD compares: Non-Finnish European, 0.00025%; no homozygotes.

Submissions 1 to 6 of 13:

Labcorp Genetics (formerly Invitae), Labcorp
Classification: Pathogenic for Catecholaminergic polymorphic ventricular tachycardia 1. Last evaluated: 2025-11-02. Review status: criteria provided, single submitter. Criteria: Invitae Variant Classification Sherloc (09022015). Collection method: clinical testing. Allele origin: germline.
Comment: This sequence change replaces arginine, which is basic and polar, with tryptophan, which is neutral and slightly polar, at codon 420 of the RYR2 protein (p.Arg420Trp). This variant is present in population databases (rs190140598, gnomAD 0.004%). This missense change has been observed in individuals with autosomal dominant RYR2-related conditions (PMID: 21616285, 22221940, 22373669, 22787013). ClinVar contains an entry for this variant (Variation ID: 201214). Invitae Evidence Modeling of protein sequence and biophysical properties (such as structural, functional, and spatial information, amino acid conservation, physicochemical variation, residue mobility, and thermodynamic stability) indicates that this missense variant is expected to disrupt RYR2 protein function with a positive predictive value of 95%. Experimental studies have shown that this missense change affects RYR2 function (PMID: 22374134, 25193700). This variant disrupts the p.Arg420 amino acid residue in RYR2. Other variant(s) that disrupt this residue have been determined to be pathogenic (PMID: 25440180, 26153920, 28422759, 28449774). This suggests that this residue is clinically significant, and that variants that disrupt this residue are likely to be disease-causing. For these reasons, this variant has been classified as Pathogenic.

Color Diagnostics, LLC DBA Color Health
Classification: Pathogenic for Cardiomyopathy. Last evaluated: 2024-07-01. Review status: criteria provided, single submitter. Criteria: ACMG Guidelines, 2015. Collection method: clinical testing. Allele origin: germline.
Comment: This missense variant replaces arginine with tryptophan at codon 420 of the RYR2 protein. Functional studies have shown that it causes abnormal calcium dynamics leading to arrhythmogenesis: in a knock-in mouse model, it increased susceptibility to arrhythmias and altered calcium transients in ventricular myocytes (PMID: 25193700), and in HEK293 cells, it significantly lowered the thresholds for SOICR activation and termination, resulting in enhanced fractional calcium release (PMID: 22374134). This variant has been reported in over ten unrelated individuals affected with catecholaminergic polymorphic ventricular tachycardia, syncope, or sudden unexplained death (PMID: 26743238, 28158428, 32152366, 34127479, 34317443, 37886885, 34930847). It has been observed to be de novo in one of these individuals (PMID: 34930847). This variant has been identified in 3/249018 chromosomes in the general population by the Genome Aggregation Database (gnomAD). A different missense variant occurring at the same codon, p.Arg420Gln, is known to be pathogenic (Clinvar variation ID 201215), indicating that arginine at this position is important for RYR2 protein function. Based on the available evidence, this variant is classified as Pathogenic.

All of Us Research Program, National Institutes of Health
Classification: Pathogenic for Catecholaminergic polymorphic ventricular tachycardia. Last evaluated: 2024-05-07. Review status: criteria provided, single submitter. Criteria: ACMG Guidelines, 2015. Collection method: clinical testing. Allele origin: germline. Inheritance: Autosomal dominant inheritance. Observed: 1 variant allele, 1 heterozygote.
Comment: The c.1258C>T (p.Arg420Trp) variant in RYR2 gene, encoding ryanodine receptor 2, has been identified in numerous individuals (>10) with catecholaminergic polymorphic ventricular tachycardia (CPVT) and/or sudden unexpected death (PMID: 12106942, 15544015, 17062961, 19926015, 21616285). This variant has been reported to co-segregate with disease in one family with incomplete penetrance (PMID: 12106942). This variant has also been reported in two families with mild disease expression in variant carriers (PMID: 22787013, 22373669). This variant was also observed in three affected individuals in one family (PMID: 26743238). In-vitro functional studies revealed that this variant results in higher levels of fractional calcium release by RYR2 channels (PMID: 22374134). In-vivo functional studies using knock-in mouse models revealed that the mutant mice showed significant increases in thymus and spleen weights and have a significantly higher occurrence of arrhythmias in response to heart stimulants compared to wild-type mice (PMID: 25087098, 25193700). In-silico computational prediction tools suggest that this variant may have deleterious effect on the protein function (REVEL score 0.88). This variant has been classified as pathogenic by multiple submitters in ClinVar (ID: 201214). Another missense variant affecting the same amino acid residue, p.Arg420Gln, has also been classified as pathogenic or likely pathogenic by multiple submitters in ClinVar (ID: 201215). This variant is rare (3/249018 chromosomes; 0.0012%) in the general population database (gnomAD). Therefore, the c.1258C>T (p.Arg420Trp) variant in RYR2 gene is classified as pathogenic.

This study involves interpretation of variants in research participants for the purpose of population health screening. Participant phenotype was not available at the time of variant classification. Additional details can be found in publication PMID: 35346344, PMCID: PMC8962531

Blueprint Genetics
Classification: Pathogenic for RYR2-related disorders. Last evaluated: 2024-02-19. Review status: criteria provided, single submitter. Criteria: ACMG Guidelines, 2015. Collection method: clinical testing. Allele origin: germline. Affected: yes. Observed: 5 variant alleles.

Ambry Genetics
Classification: Pathogenic for Cardiovascular phenotype. Last evaluated: 2023-12-01. Review status: criteria provided, single submitter. Criteria: Ambry Variant Classification Scheme 2023. Collection method: clinical testing. Allele origin: germline.
Comment: The p.R420W pathogenic mutation (also known as c.1258C>T), located in coding exon 14 of the RYR2 gene, results from a C to T substitution at nucleotide position 1258. The arginine at codon 420 is replaced by tryptophan, an amino acid with dissimilar properties. This mutation has been identified in numerous individuals with catecholaminergic polymorphic ventricular tachycardia (CPVT) and/or sudden unexpected death (Tester DJ et al. Mayo Clin. Proc. 2004;79:1380-4; Nishio H et al. Circ. J. 2006;70:1402-6; Medeiros-Domingo A et al. J. Am. Coll. Cardiol. 2009;54:2065-74; van der Werf C et al. Circ Arrhythm Electrophysiol. 2012;5:748-56; Kawata H et al. Circ. J., 2016 Aug;80:1907-15). This variant has also been reported to segregate with disease (Bauce B et al. J. Am. Coll. Cardiol. 2002;40:341-9; Nannenberg EA et al. Circ Cardiovasc Genet. 2012;5:183-9). Functional studies performed in mammalian cell lines suggest this alteration has an impact on calcium signaling, and mice with this variant have a significantly higher occurrence of arrhythmias in response to heart stimulants than wild-type mice (Tang Y et al. Circ. Res. 2012;110:968-77; Okudaira N et al. Biochem. Biophys. Res. Commun. 2014;452:665-8). In addition, a pathogenic mutation (p.R420Q) has been described in the same codon (Medeiros-Domingo A et al. J Am Coll Cardiol. 2009; 54(22):2065-74). Based on the supporting evidence, this alteration is interpreted as a disease-causing mutation.

Molecular Genetics, Royal Melbourne Hospital
Classification: Pathogenic for Catecholaminergic polymorphic ventricular tachycardia. Last evaluated: 2023-05-04. Review status: criteria provided, single submitter. Criteria: ACMG Guidelines, 2015. Collection method: clinical testing. Allele origin: germline. Affected: yes.
Comment: This sequence change in RYR2 is predicted to replace arginine with tryptophan at codon 420, p.(Arg420Trp). The arginine residue is highly conserved (100 vertebrates, UCSC), and is located in a cytoplasmic helical region in the N-terminal domain. There is a large physicochemical difference between arginine and tryptophan. The highest population minor allele frequency in the population database gnomAD v2.1 is 0.006% (1/17,960 alleles) in the East Asian population, which is consistent with RYR2-related disease. The variant has been identified in multiple individuals with sudden unexplained cardiac death or a clinical diagnosis of catecholaminergic polymorphic ventricular tachycardia (CPVT), and segregates with disease in multiple families (PMID: 12106942, 15544015, 17062961, 21616285, 22373669, 26743238). A knock-in mouse model for the variant exhibits arrhythmogenesis with abnormal calcium dynamics in cardiomyocytes (PMID: 25193700). Computational evidence predicts a deleterious effect for the missense substitution (REVEL = 0.88). Another missense variant c.1259G>A, p.(Arg420Gln) in the same codon with a smaller physicochemical difference has been classified as pathogenic for CPVT (ClinVar ID: 201215). Based on the classification scheme RMH Modified ACMG/AMP Guidelines v1.6.1, this variant is classified as PATHOGENIC. Following criteria are met: PP1_Strong, PS3_Moderate, PM5, PS4_Supporting, PM2_Supporting, PP3.